The following is an entry in ClinVar:

NM_033409.4(SLC52A3):c.814G>A (p.Asp272Asn)

Gene: SLC52A3 (solute carrier family 52 member 3; minus strand). Cytogenetic location: 20p13.
Variant type: single nucleotide variant.
Coding change: c.814G>A on transcript NM_033409.4 (MANE Select); coding-DNA position 814, G replaced by A.
Protein change: p.Asp272Asn; replaces aspartic acid 272 with asparagine.
Molecular consequence: missense variant.
Genome position (GRCh38, 1-based): chr20:763,757, C>T on the plus strand (G>A on the coding strand, the complement: SLC52A3 is on the minus strand). VCF-style: chr20-763757-C-T. GRCh37 (hg19) VCF-style: chr20-744401-C-T.
Other names: c.814G>A, p.Asp272Asn (NM_001370085.1, NM_001370086.1); short protein forms D272N.
Identifiers: ClinVar variation 1478798 (VCV001478798.8), dbSNP rs377559449, ClinGen allele CA407963045.
Genomic context (GRCh38, chr20:763,757, plus strand): 5'-CTTTCTCCTCTAGATACCCCTGGCCCTGGCTGCTGTCCACCGTGCCTGCAGGGCCCAAGT[C>T]ATTCTCTTCCCGCGGCCGGATGGAGTGGAGGGTGACCTGGTCATTGAGGAGGTCTTCCAC-3'
Protein context (NP_212134.3, residues 262-282): LHSIRPREEN[Asp272Asn]LGPAGTVDSS

ClinVar aggregate classification (germline): Uncertain significance (1 of 4 stars; one submission).

Conditions:
Brown-Vialetto-van Laere syndrome 1. Also called: BROWN-VIALETTO-VAN LAERE SYNDROME 1, MILD; BULBAR PALSY, PROGRESSIVE, WITH SENSORINEURAL DEAFNESS; PONTOBULBAR PALSY WITH DEAFNESS. Identifiers: Orphanet 572550, Orphanet 97229, MedGen C0796274, MONDO:0024537, OMIM 211530.

gnomAD v4.1: 12 of 1,614,046 alleles (0.00074%); highest among the groups gnomAD compares: Non-Finnish European, 0.001%; no homozygotes.

Submission:

Labcorp Genetics (formerly Invitae), Labcorp
Classification: Uncertain significance for Brown-Vialetto-van Laere syndrome 1. Last evaluated: 2021-02-09. Review status: criteria provided, single submitter. Criteria: Invitae Variant Classification Sherloc (09022015). Collection method: clinical testing. Allele origin: germline.
Comment: In summary, the available evidence is currently insufficient to determine the role of this variant in disease. Therefore, it has been classified as a Variant of Uncertain Significance. Algorithms developed to predict the effect of missense changes on protein structure and function (SIFT, PolyPhen-2, Align-GVGD) all suggest that this variant is likely to be tolerated, but these predictions have not been confirmed by published functional studies and their clinical significance is uncertain. This variant has not been reported in the literature in individuals with SLC52A3-related conditions. This variant is not present in population databases (ExAC no frequency). This sequence change replaces aspartic acid with asparagine at codon 272 of the SLC52A3 protein (p.Asp272Asn). The aspartic acid residue is moderately conserved and there is a small physicochemical difference between aspartic acid and asparagine.